The following is an entry in ClinVar:

ClinVar aggregate classification (germline): Uncertain significance (1 of 4 stars; one submission).

gnomAD v4.1: 1 of 1,613,958 alleles (0.000062%); highest among the groups gnomAD compares: Middle Eastern, 0.016%; no homozygotes.

Submission:

Labcorp Genetics (formerly Invitae), Labcorp
Classification: Uncertain significance. Last evaluated: 2024-09-16. Review status: criteria provided, single submitter. Criteria: Invitae Variant Classification Sherloc (09022015). Collection method: clinical testing. Allele origin: germline.
Comment: This sequence change replaces glycine, which is neutral and non-polar, with aspartic acid, which is acidic and polar, at codon 2156 of the CDH23 protein (p.Gly2156Asp). This variant is not present in population databases (gnomAD no frequency). This variant has not been reported in the literature in individuals affected with CDH23-related conditions. Invitae Evidence Modeling of protein sequence and biophysical properties (such as structural, functional, and spatial information, amino acid conservation, physicochemical variation, residue mobility, and thermodynamic stability) indicates that this missense variant is not expected to disrupt CDH23 protein function with a negative predictive value of 95%. In summary, the available evidence is currently insufficient to determine the role of this variant in disease. Therefore, it has been classified as a Variant of Uncertain Significance.

NM_022124.6(CDH23):c.6467G>A (p.Gly2156Asp)

Gene: CDH23 (cadherin related 23; plus strand). Cytogenetic location: 10q22.1.
Variant type: single nucleotide variant.
Coding change: c.6467G>A on transcript NM_022124.6 (MANE Select); coding-DNA position 6467, G replaced by A.
Protein change: p.Gly2156Asp; replaces glycine 2156 with aspartic acid.
Molecular consequence: missense variant.
Genome position (GRCh38, 1-based): chr10:71,793,395, G>A. VCF-style: chr10-71793395-G-A. GRCh37 (hg19) VCF-style: chr10-73553152-G-A.
Other names: short protein forms G2156D.
Identifiers: ClinVar variation 3689881 (VCV003689881.2).